The following is an entry in ClinVar:

ClinVar aggregate classification (germline): Benign/Likely benign. Review status: criteria provided, multiple submitters, no conflicts (2 of 4 stars). 4 submissions from 4 submitters: Benign (1); Likely benign (3). Last evaluated 2026-02-01.

Conditions:
Donnai-Barrow syndrome. Also called: DBS/FOAR SYNDROME; FACIOOCULOACOUSTICORENAL SYNDROME. Identifiers: Orphanet 2143, MedGen C1857277, MONDO:0009104, OMIM 222448.

Submissions (4):

Labcorp Genetics (formerly Invitae), Labcorp
Classification: Benign. Last evaluated: 2026-02-01. Review status: criteria provided, single submitter. Criteria: Invitae Variant Classification Sherloc (09022015). Collection method: clinical testing. Allele origin: germline.

Blueprint Genetics
Classification: Likely benign. Last evaluated: 2024-11-25. Review status: criteria provided, single submitter. Criteria: ACMG Guidelines, 2015. Collection method: clinical testing. Allele origin: germline.

Fulgent Genetics
Classification: Likely benign for Donnai-Barrow syndrome. Last evaluated: 2021-12-24. Review status: criteria provided, single submitter. Criteria: ACMG Guidelines, 2015. Collection method: clinical testing. Allele origin: unknown.

GeneDx
Classification: Likely benign. Last evaluated: 2021-05-26. Review status: criteria provided, single submitter. Criteria: GeneDx Variant Classification Process June 2021. Collection method: clinical testing. Allele origin: germline. Affected: yes.
Comment: See Variant Classification Assertion Criteria.

NM_004525.3(LRP2):c.13519-40CT[9]

Gene: LRP2 (LDL receptor related protein 2; minus strand). Cytogenetic location: 2q31.1.
Variant type: Microsatellite.
Coding change: c.13519-40CT[9] on transcript NM_004525.3 (MANE Select); nine copies in a row of the 2-base unit CT starting at c.13519-40; the reference has 11 copies in a row; two copies, 4 bases deleted.
Molecular consequence: intron variant.
Genome position (GRCh38, 1-based): chr2:169,137,512-169,137,515, AGAG deleted on the plus strand (CTCT on the coding strand, the reverse complement: LRP2 is on the minus strand); deleting any 4 consecutive bases within chr2:169,137,512-169,137,534 gives the same sequence; the position shown is the placement nearest the transcript's 3' end. VCF-style (leftmost placement, unchanged base first): chr2-169137511-AAGAG-A. GRCh37 (hg19) VCF-style: chr2-169994021-AAGAG-A.
Other names: c.13519-22_13519-19del (NM_004525.3).
Identifiers: ClinVar variation 1165499 (VCV001165499.13), dbSNP rs138614485, ClinGen allele CA1952506.